The following is an entry in ClinVar:

ClinVar aggregate classification (germline): Uncertain significance (1 of 4 stars; one submission).

Submission:

GeneDx
Classification: Uncertain significance. Last evaluated: 2025-09-30. Review status: criteria provided, single submitter. Criteria: GeneDx Variant Classification Process June 2021. Collection method: clinical testing. Allele origin: germline. Affected: yes.
Comment: Has not been previously published as pathogenic or benign to our knowledge; No data available from control populations to assess the frequency of this variant; Located in a regulatory region; in the absence of functional studies, the actual effect of this sequence change is unknown

NC_000007.14:g.117479807G>A

Genes: CFTR (CF transmembrane conductance regulator; plus strand), LOC111674463 (CFTR promoter region; plus strand). Cytogenetic location: 7q31.2.
Variant type: single nucleotide variant.
Genome position: GRCh38 VCF-style: chr7-117479807-G-A. GRCh37 (hg19) VCF-style: chr7-117119861-G-A.
Identifiers: ClinVar variation 4819516 (VCV004819516.1).